The following is an entry in ClinVar:

NM_000136.3(FANCC):c.1351G>A (p.Gly451Ser)

Genes: FANCC (FA complementation group C; minus strand), AOPEP (aminopeptidase O (putative); plus strand). Cytogenetic location: 9q22.32.
Variant type: single nucleotide variant.
Coding change: c.1351G>A on transcript NM_000136.3 (MANE Select); coding-DNA position 1351, G replaced by A.
Protein change: p.Gly451Ser; replaces glycine 451 with serine.
Molecular consequence: missense variant.
Genome position (GRCh38, 1-based): chr9:95,107,248, C>T on the plus strand (G>A on the coding strand, the complement: FANCC is on the minus strand). VCF-style: chr9-95107248-C-T. GRCh37 (hg19) VCF-style: chr9-97869530-C-T.
Other names: c.1351G>A, p.Gly451Ser (NM_001243743.2); short protein forms G451S.
Identifiers: ClinVar variation 818956 (VCV000818956.13), dbSNP rs141805918, ClinGen allele CA196540230.

ClinVar aggregate classification (germline): Conflicting classifications of pathogenicity. Review status: criteria provided, conflicting classifications (1 of 4 stars). 3 submissions from 3 submitters: Uncertain significance (2); Likely benign (1). Last evaluated 2025-12-22.

Conditions:
Fanconi anemia (FA). Also called: Fanconi's anemia. Identifiers: Orphanet 84, MedGen C0015625, MeSH D005199, MONDO:0019391.
Fanconi anemia complementation group C (FANCC). Also called: FANCONI PANCYTOPENIA, TYPE 3; FACC; FANCC-Related Fanconi Anemia; Fanconi anemia, group C. Identifiers: Orphanet 84, MedGen C3468041, MONDO:0009213, OMIM 227645.
Hereditary cancer-predisposing syndrome. Also called: Tumor predisposition; Hereditary neoplastic syndrome; Neoplastic Syndromes, Hereditary; Hereditary Cancer Syndrome. Identifiers: Orphanet 140162, MedGen C0027672, MeSH D009386, MONDO:0015356.

Allele frequency attached by ClinVar (database versions not stated): gnomAD 0.00001; TOPMed 0.00003; ESP Exome Variant Server 0.00008.
gnomAD v4.1: 3 of 1,613,838 alleles (0.00019%); highest among the groups gnomAD compares: African/African-American, 0.004%; no homozygotes.

Submissions (3):

Labcorp Genetics (formerly Invitae), Labcorp
Classification: Uncertain significance for Fanconi anemia. Last evaluated: 2025-12-22. Review status: criteria provided, single submitter. Criteria: Invitae Variant Classification Sherloc (09022015). Collection method: clinical testing. Allele origin: germline.
Comment: This sequence change replaces glycine, which is neutral and non-polar, with serine, which is neutral and polar, at codon 451 of the FANCC protein (p.Gly451Ser). This variant is present in population databases (rs141805918, gnomAD 0.01%). This variant has not been reported in the literature in individuals affected with FANCC-related conditions. ClinVar contains an entry for this variant (Variation ID: 818956). Invitae Evidence Modeling of protein sequence and biophysical properties (such as structural, functional, and spatial information, amino acid conservation, physicochemical variation, residue mobility, and thermodynamic stability) indicates that this missense variant is not expected to disrupt FANCC protein function with a negative predictive value of 80%. In summary, the available evidence is currently insufficient to determine the role of this variant in disease. Therefore, it has been classified as a Variant of Uncertain Significance.

Fulgent Genetics
Classification: Uncertain significance for Fanconi anemia complementation group C. Last evaluated: 2024-02-05. Review status: criteria provided, single submitter. Criteria: ACMG Guidelines, 2015. Collection method: clinical testing. Allele origin: germline.

Ambry Genetics
Classification: Likely benign for Hereditary cancer-predisposing syndrome. Last evaluated: 2019-01-28. Review status: criteria provided, single submitter. Criteria: Ambry Variant Classification Scheme 2023. Collection method: clinical testing. Allele origin: germline.